The following is an entry in ClinVar:

ClinVar aggregate classification (germline): Likely pathogenic (1 of 4 stars; one submission).

Submission:

CeGaT Center for Human Genetics Tuebingen
Classification: Likely pathogenic. Last evaluated: 2026-03-01. Review status: criteria provided, single submitter. Criteria: CeGaT Center For Human Genetics Tuebingen Variant Classification Criteria Version 2. Collection method: clinical testing. Allele origin: germline. Affected: yes. Observed: 1 variant allele.
Comment: DYRK1A: PM2, PS2:Moderate, PP2, PP3

NM_001347721.2(DYRK1A):c.1337T>G (p.Leu446Arg)

Gene: DYRK1A (dual specificity tyrosine phosphorylation regulated kinase 1A; plus strand). Cytogenetic location: 21q22.13.
Variant type: single nucleotide variant.
Coding change: c.1337T>G on transcript NM_001347721.2 (MANE Select); coding-DNA position 1337, T replaced by G.
Protein change: p.Leu446Arg; replaces leucine 446 with arginine.
Molecular consequence: missense variant.
Genome position (GRCh38, 1-based): chr21:37,505,407, T>G. VCF-style: chr21-37505407-T-G. GRCh37 (hg19) VCF-style: chr21-38877710-T-G.
Other names: c.1337T>G, p.Leu446Arg (NM_001347722.2, NM_130436.2); c.1250T>G, p.Leu417Arg (NM_001347723.2); c.1364T>G, p.Leu455Arg (NM_001396.5, NM_101395.2, NM_130438.2); short protein forms L417R, L446R, L455R.
Identifiers: ClinVar variation 4823646 (VCV004823646.4).
Genomic context (GRCh38, chr21:37,505,407, plus strand): 5'-GTGGGCGACGTGCTGGGGAGTCAGGTCATACGGTCGCTGACTACTTGAAGTTCAAAGACC[T>G]CATTTTAAGGATGCTTGATTATGACCCCAAAACTCGAATTCAACCTTATTATGCTCTGCA-3'
Protein context (NP_001334650.1, residues 436-456): TVADYLKFKD[Leu446Arg]ILRMLDYDPK